The following is an entry in ClinVar:

ClinVar aggregate classification (germline): Pathogenic (1 of 4 stars; one submission).

Submission:

Labcorp Genetics (formerly Invitae), Labcorp
Classification: Pathogenic. Last evaluated: 2023-09-26. Review status: criteria provided, single submitter. Criteria: Invitae Variant Classification Sherloc (09022015). Collection method: clinical testing. Allele origin: germline.
Comment: For these reasons, this variant has been classified as Pathogenic. This variant has not been reported in the literature in individuals affected with HPS3-related conditions. This variant is not present in population databases (gnomAD no frequency). This sequence change creates a premature translational stop signal (p.Ser302Argfs*39) in the HPS3 gene. It is expected to result in an absent or disrupted protein product. Loss-of-function variants in HPS3 are known to be pathogenic (PMID: 11590544).

Literature cited by the submitters: PubMed 11590544.

NM_032383.5(HPS3):c.904del (p.Ser302fs)

Gene: HPS3 (HPS3 biogenesis of lysosomal organelles complex 2 subunit 1; plus strand). Cytogenetic location: 3q24.
Variant type: Deletion.
Coding change: c.904del on transcript NM_032383.5 (MANE Select); coding-DNA position 904, one base deleted (T; older notation c.904delT).
Protein change: p.Ser302fs; shifts the reading frame from serine 302.
Molecular consequence: frameshift variant.
Genome position (GRCh38, 1-based): chr3:149,141,314, T deleted; the last of 3 consecutive T bases (chr3:149,141,312-149,141,314); deleting any one gives the same sequence. VCF-style (leftmost placement, unchanged base first): chr3-149141311-AT-A. GRCh37 (hg19) VCF-style: chr3-148859098-AT-A.
Other names: c.409del, p.Ser137fs (NM_001308258.2); short protein forms S137fs, S302fs.
Identifiers: ClinVar variation 2759951 (VCV002759951.3), dbSNP rs2473073532, ClinGen allele CA2697556913.